The following is an entry in ClinVar:

NM_000051.4(ATM):c.6514del (p.Thr2172fs)

Genes: ATM (ATM serine/threonine kinase; plus strand), C11orf65 (chromosome 11 open reading frame 65; minus strand). Cytogenetic location: 11q22.3.
Variant type: Deletion.
Coding change: c.6514del on transcript NM_000051.4 (MANE Select); coding-DNA position 6514, one base deleted (A; older notation c.6514delA).
Protein change: p.Thr2172fs; shifts the reading frame from threonine 2172.
Molecular consequence: frameshift variant. On other transcripts: intron variant (2).
Genome position (GRCh38, 1-based): chr11:108,321,362, A deleted. VCF-style (leftmost placement, unchanged base first): chr11-108321361-CA-C. GRCh37 (hg19) VCF-style: chr11-108192088-CA-C.
Other names: c.6514del, p.Thr2172fs (NM_001351834.2); c.641-12291del (NM_001330368.2); c.*39-12291del (NM_001351110.2); short protein forms T2172fs.
Identifiers: ClinVar variation 2025684 (VCV002025684.6), dbSNP rs2547163015, ClinGen allele CA2580083464.
Genomic context (GRCh38, chr11:108,321,361, plus strand): 5'-AGTAAAAGAAGTGGAAGAGATGTGTAAGCGCAGCCTTGAGTCTGTGTATTCGCTCTATCC[CA>C]CACTTAGCAGGTTGCAGGCCATTGGAGAGCTGGAAAGCATTGGGGAGCTTTTCTCAAGGT-3'

ClinVar aggregate classification (germline): Pathogenic. Review status: criteria provided, multiple submitters, no conflicts (2 of 4 stars). 3 submissions from 3 submitters: Pathogenic (3). Last evaluated 2025-08-14.

Conditions:
Ataxia-telangiectasia syndrome (AT). Also called: Ataxia-telangiectasia, complementation group D; AT, COMPLEMENTATION GROUP C; ATAXIA-TELANGIECTASIA, COMPLEMENTATION GROUP A; ATAXIA-TELANGIECTASIA, FRESNO VARIANT; Ataxia-telangiectasia, complementation group E; LOUIS-BAR SYNDROME. Identifiers: Orphanet 100, MedGen C0004135, MONDO:0008840, OMIM 208900.
Hereditary cancer-predisposing syndrome. Also called: Tumor predisposition; Hereditary Cancer Syndrome; Hereditary neoplastic syndrome; Neoplastic Syndromes, Hereditary. Identifiers: Orphanet 140162, MedGen C0027672, MeSH D009386, MONDO:0015356.
Familial cancer of breast. Also called: BREAST CANCER, FAMILIAL; Hereditary breast cancer; hereditary breast carcinoma. Identifiers: Orphanet 227535, MedGen C0346153, MONDO:0016419, OMIM 114480. Disease mechanism: loss of function.

Submissions (3):

Ambry Genetics
Classification: Pathogenic for Hereditary cancer-predisposing syndrome. Last evaluated: 2025-08-14. Review status: criteria provided, single submitter. Criteria: Ambry Variant Classification Scheme 2023. Collection method: clinical testing. Allele origin: germline.
Comment: The c.6514delA pathogenic mutation, located in coding exon 44 of the ATM gene, results from a deletion of one nucleotide at nucleotide position 6514, causing a translational frameshift with a predicted alternate stop codon (p.T2172Hfs*63). This variant is considered to be rare based on population cohorts in the Genome Aggregation Database (gnomAD). This alteration is expected to result in loss of function by premature protein truncation or nonsense-mediated mRNA decay. As such, this alteration is interpreted as a disease-causing mutation.

Myriad Genetics, Inc.
Classification: Pathogenic for Familial cancer of breast. Last evaluated: 2024-08-01. Review status: criteria provided, single submitter. Criteria: Myriad Autosomal Dominant, Autosomal Recessive and X-Linked Classification Criteria (2023). Collection method: clinical testing. Allele origin: unknown.
Comment: This variant is considered pathogenic. This variant creates a frameshift predicted to result in premature protein truncation.

Labcorp Genetics (formerly Invitae), Labcorp
Classification: Pathogenic for Ataxia-telangiectasia syndrome. Last evaluated: 2022-08-21. Review status: criteria provided, single submitter. Criteria: Invitae Variant Classification Sherloc (09022015). Collection method: clinical testing. Allele origin: germline.
Comment: For these reasons, this variant has been classified as Pathogenic. Algorithms developed to predict the effect of sequence changes on RNA splicing suggest that this variant may create or strengthen a splice site. This variant has not been reported in the literature in individuals affected with ATM-related conditions. This variant is not present in population databases (gnomAD no frequency). This sequence change creates a premature translational stop signal (p.Thr2172Hisfs*63) in the ATM gene. It is expected to result in an absent or disrupted protein product. Loss-of-function variants in ATM are known to be pathogenic (PMID: 23807571, 25614872).

Literature cited by the submitters: PubMed 23807571 (cited by Labcorp Genetics (formerly Invitae), Labcorp); PubMed 25614872 (cited by Labcorp Genetics (formerly Invitae), Labcorp).